The following is an entry in ClinVar:

NM_006206.6(PDGFRA):c.1015G>T (p.Val339Leu)

Gene: PDGFRA (platelet derived growth factor receptor alpha; plus strand). Cytogenetic location: 4q12.
Variant type: single nucleotide variant.
Coding change: c.1015G>T on transcript NM_006206.6 (MANE Select); coding-DNA position 1015, G replaced by T.
Protein change: p.Val339Leu; replaces valine 339 with leucine.
Molecular consequence: missense variant.
Genome position (GRCh38, 1-based): chr4:54,267,635, G>T. VCF-style: chr4-54267635-G-T. GRCh37 (hg19) VCF-style: chr4-55133802-G-T.
Other names: c.1015G>T, p.Val339Leu (NM_001347827.2, NM_001347829.2); c.1090G>T, p.Val364Leu (NM_001347828.2); c.1054G>T, p.Val352Leu (NM_001347830.2); c.1015G>T (NM_006206.4); short protein forms V339L, V364L, V352L.
Identifiers: ClinVar variation 1433899 (VCV001433899.16), dbSNP rs747257877, ClinGen allele CA2922446.

ClinVar aggregate classification (germline): Conflicting classifications of pathogenicity. Review status: criteria provided, conflicting classifications (1 of 4 stars). 3 submissions from 3 submitters: Uncertain significance (2); Likely benign (1). Last evaluated 2026-06-12.

Conditions:
Gastrointestinal stromal tumor. Also called: Gastrointestinal stroma tumor; Gastrointestinal stromal tumor, somatic. Identifiers: Orphanet 44890, MedGen C0238198, MeSH D046152, MONDO:0011719, OMIM 606764, HP:0100723.
Polyps, multiple and recurrent inflammatory fibroid, gastrointestinal. Identifiers: MedGen C5193005, MONDO:0008285, OMIM 175510.
Hereditary cancer-predisposing syndrome. Also called: Hereditary neoplastic syndrome; Tumor predisposition; Hereditary Cancer Syndrome; Neoplastic Syndromes, Hereditary. Identifiers: Orphanet 140162, MedGen C0027672, MeSH D009386, MONDO:0015356.

Allele frequency attached by ClinVar (database versions not stated): gnomAD exomes below 0.00001 and 0.00001; ExAC 0.00001.
gnomAD v4.1: 6 of 1,614,128 alleles (0.00037%); highest among the groups gnomAD compares: East Asian, 0.0022%; no homozygotes.

Submissions (3):

Myriad Genetics, Inc.
Classification: Likely benign for Polyps, multiple and recurrent inflammatory fibroid, gastrointestinal. Last evaluated: 2026-06-12. Review status: criteria provided, single submitter. Criteria: Myriad Autosomal Dominant, Autosomal Recessive and X-Linked Classification Criteria (2023). Collection method: clinical testing. Allele origin: unknown.
Comment: This variant is considered likely benign. This variant has been observed at a population frequency that is significantly greater than expected given the associated disease prevalence and penetrance.

Labcorp Genetics (formerly Invitae), Labcorp
Classification: Uncertain significance for Gastrointestinal stromal tumor. Last evaluated: 2024-10-28. Review status: criteria provided, single submitter. Criteria: Invitae Variant Classification Sherloc (09022015). Collection method: clinical testing. Allele origin: germline.
Comment: This sequence change replaces valine, which is neutral and non-polar, with leucine, which is neutral and non-polar, at codon 339 of the PDGFRA protein (p.Val339Leu). This variant is present in population databases (rs747257877, gnomAD 0.002%). This variant has not been reported in the literature in individuals affected with PDGFRA-related conditions. ClinVar contains an entry for this variant (Variation ID: 1433899). Invitae Evidence Modeling of protein sequence and biophysical properties (such as structural, functional, and spatial information, amino acid conservation, physicochemical variation, residue mobility, and thermodynamic stability) indicates that this missense variant is not expected to disrupt PDGFRA protein function with a negative predictive value of 80%. In summary, the available evidence is currently insufficient to determine the role of this variant in disease. Therefore, it has been classified as a Variant of Uncertain Significance.

Ambry Genetics
Classification: Uncertain significance for Hereditary cancer-predisposing syndrome. Last evaluated: 2024-03-14. Review status: criteria provided, single submitter. Criteria: Ambry Variant Classification Scheme 2023. Collection method: clinical testing. Allele origin: germline.
Comment: The p.V339L variant (also known as c.1015G>T), located in coding exon 6 of the PDGFRA gene, results from a G to T substitution at nucleotide position 1015. The valine at codon 339 is replaced by leucine, an amino acid with highly similar properties. This amino acid position is conserved. In addition, this alteration is predicted to be tolerated by in silico analysis. Based on the available evidence, the clinical significance of this alteration remains unclear.